The following is an entry in ClinVar:

ClinVar aggregate classification (germline): Uncertain significance (1 of 4 stars; one submission).

Conditions:
Dilated cardiomyopathy 1G (CMD1G). Identifiers: Orphanet 154, MedGen C1858763, MONDO:0011400, OMIM 604145.
Autosomal recessive limb-girdle muscular dystrophy type 2J (LGMDR10). Also called: Limb-girdle muscular dystrophy, type 2J; MUSCULAR DYSTROPHY, LIMB-GIRDLE, AUTOSOMAL RECESSIVE 10. Identifiers: Orphanet 140922, MedGen C1837342, MONDO:0012127, OMIM 608807.

Allele frequency attached by ClinVar (database versions not stated): gnomAD exomes below 0.00001; TOPMed below 0.00001.
gnomAD v4.1: 4 of 1,613,830 alleles (0.00025%); highest among the groups gnomAD compares: African/African-American, 0.0027%; no homozygotes.

Submission:

Labcorp Genetics (formerly Invitae), Labcorp
Classification: Uncertain significance for Dilated cardiomyopathy 1G; Autosomal recessive limb-girdle muscular dystrophy type 2J. Last evaluated: 2022-10-31. Review status: criteria provided, single submitter. Criteria: Invitae Variant Classification Sherloc (09022015). Collection method: clinical testing. Allele origin: germline.
Comment: In summary, the available evidence is currently insufficient to determine the role of this variant in disease. Therefore, it has been classified as a Variant of Uncertain Significance. Experimental studies and prediction algorithms are not available or were not evaluated, and the functional significance of this variant is currently unknown. This sequence change replaces isoleucine, which is neutral and non-polar, with threonine, which is neutral and polar, at codon 33636 of the TTN protein (p.Ile33636Thr). This variant is not present in population databases (gnomAD no frequency). This variant has not been reported in the literature in individuals affected with TTN-related conditions. This variant is located in the M band of TTN (PMID: 25589632). Variants in this region may be relevant for neuromuscular disorders, but have not been definitively shown to cause cardiomyopathy (PMID: 23975875).

Literature cited by the submitters: PubMed 25589632; PubMed 23975875.

NM_001267550.2(TTN):c.100907T>C (p.Ile33636Thr)

Genes: TTN-AS1 (TTN antisense RNA 1; plus strand), TTN (titin; minus strand). Cytogenetic location: 2q31.2.
Variant type: single nucleotide variant.
Coding change: c.100907T>C on transcript NM_001267550.2 (MANE Select); coding-DNA position 100907, T replaced by C.
Protein change: p.Ile33636Thr; replaces isoleucine 33636 with threonine.
Molecular consequence: missense variant.
Genome position (GRCh38, 1-based): chr2:178,535,708, A>G on the plus strand (T>C on the coding strand, the complement: TTN is on the minus strand). VCF-style: chr2-178535708-A-G. GRCh37 (hg19) VCF-style: chr2-179400435-A-G.
Other names: c.74288T>C, p.Ile24763Thr (NM_133437.4); c.95984T>C, p.Ile31995Thr (NM_001256850.1); c.73712T>C, p.Ile24571Thr (NM_003319.4); c.93203T>C, p.Ile31068Thr (NM_133378.4); c.74087T>C, p.Ile24696Thr (NM_133432.3); short protein forms I24571T, I24696T, I31068T, I24763T, I33636T, I31995T.
Identifiers: ClinVar variation 2925379 (VCV002925379.3), dbSNP rs1691134581, ClinGen allele CA349422486.
Genomic context (GRCh38, chr2:178,535,708, plus strand): 5'-GGGAAAACAAGTGATGTGAAGGATCTTGTGACAATAACTTGGTAGTGGCCATTATTGTCA[A>G]TGAGATCTTGTCCTTTCTGCCAGGTGATCACAGGATCTGGTTTGCCACTGAAAGGAATCT-3'
Protein context (NP_001254479.2, residues 33626-33646): VITWQKGQDL[Ile33636Thr]DNNGHYQVIV